The following is an entry in ClinVar:

NM_024675.4(PALB2):c.2024T>C (p.Leu675Pro)

Gene: PALB2 (partner and localizer of BRCA2; minus strand). Cytogenetic location: 16p12.2.
Variant type: single nucleotide variant.
Coding change: c.2024T>C on transcript NM_024675.4 (MANE Select); coding-DNA position 2024, T replaced by C.
Protein change: p.Leu675Pro; replaces leucine 675 with proline.
Molecular consequence: missense variant. On other transcripts: intron variant (1).
Genome position (GRCh38, 1-based): chr16:23,630,130, A>G on the plus strand (T>C on the coding strand, the complement: PALB2 is on the minus strand). VCF-style: chr16-23630130-A-G. GRCh37 (hg19) VCF-style: chr16-23641451-A-G.
Other names: c.1964T>C, p.Leu655Pro (NM_001407296.1); c.2024T>C, p.Leu675Pro (NM_001407297.1, NM_001407298.1, NM_001407299.1 and 3 more transcripts); c.1139T>C, p.Leu380Pro (NM_001407304.1, NM_001407305.1, NM_001407306.1 and 5 more transcripts); c.236T>C, p.Leu79Pro (NM_001407312.1, NM_001407313.1); c.49-855T>C (NM_001407314.1); short protein forms L675P, L655P, L380P, L79P.
Identifiers: ClinVar variation 4130353 (VCV004130353.1).

ClinVar aggregate classification (germline): Uncertain significance (1 of 4 stars; one submission).

Conditions:
Hereditary cancer-predisposing syndrome. Also called: Hereditary neoplastic syndrome; Neoplastic Syndromes, Hereditary; Tumor predisposition; Hereditary Cancer Syndrome. Identifiers: Orphanet 140162, MedGen C0027672, MeSH D009386, MONDO:0015356.

gnomAD v4.1: 1 of 1,614,170 alleles (0.000062%); highest among the groups gnomAD compares: African/African-American, 0.0013%; no homozygotes.

Submission:

Ambry Genetics
Classification: Uncertain significance for Hereditary cancer-predisposing syndrome. Last evaluated: 2025-09-07. Review status: criteria provided, single submitter. Criteria: Ambry Variant Classification Scheme 2023. Collection method: clinical testing. Allele origin: germline.
Comment: The p.L675P variant (also known as c.2024T>C), located in coding exon 5 of the PALB2 gene, results from a T to C substitution at nucleotide position 2024. The leucine at codon 675 is replaced by proline, an amino acid with similar properties. This amino acid position is conserved. In addition, this alteration is predicted to be tolerated by in silico analysis. Based on the available evidence, the clinical significance of this variant remains unclear.